The following is an entry in ClinVar:

NM_004360.5(CDH1):c.1484T>G (p.Val495Gly)

Gene: CDH1 (cadherin 1; plus strand). Cytogenetic location: 16q22.1.
Variant type: single nucleotide variant.
Coding change: c.1484T>G on transcript NM_004360.5 (MANE Select); coding-DNA position 1484, T replaced by G.
Protein change: p.Val495Gly; replaces valine 495 with glycine.
Molecular consequence: missense variant. On other transcripts: 5 prime UTR variant (2).
Genome position (GRCh38, 1-based): chr16:68,815,678, T>G. VCF-style: chr16-68815678-T-G. GRCh37 (hg19) VCF-style: chr16-68849581-T-G.
Other names: c.1301T>G, p.Val434Gly (NM_001317184.2); c.-65T>G (NM_001317185.2); c.-336T>G (NM_001317186.2); short protein forms V434G, V495G.
Identifiers: ClinVar variation 2767451 (VCV002767451.3), dbSNP rs786202482, ClinGen allele CA396463182.

ClinVar aggregate classification (germline): Uncertain significance (1 of 4 stars; one submission).

Conditions:
Hereditary diffuse gastric adenocarcinoma (HDGC). Also called: DIFFUSE GASTRIC AND LOBULAR BREAST CANCER SYNDROME. Identifiers: Orphanet 26106, MedGen C1708349, MONDO:0007648, OMIM 137215.

Submission:

Labcorp Genetics (formerly Invitae), Labcorp
Classification: Uncertain significance for Hereditary diffuse gastric adenocarcinoma. Last evaluated: 2023-10-10. Review status: criteria provided, single submitter. Criteria: Invitae Variant Classification Sherloc (09022015). Collection method: clinical testing. Allele origin: germline.
Comment: This sequence change replaces valine, which is neutral and non-polar, with glycine, which is neutral and non-polar, at codon 495 of the CDH1 protein (p.Val495Gly). This variant is not present in population databases (gnomAD no frequency). This variant has not been reported in the literature in individuals affected with CDH1-related conditions. An algorithm developed to predict the effect of missense changes on protein structure and function (PolyPhen-2) suggests that this variant is likely to be disruptive. In summary, the available evidence is currently insufficient to determine the role of this variant in disease. Therefore, it has been classified as a Variant of Uncertain Significance.